The following is an entry in ClinVar:

ClinVar aggregate classification (germline): Pathogenic (1 of 4 stars; one submission).

Conditions:
Tatton-Brown-Rahman overgrowth syndrome. Also called: Tall stature-intellectual disability-facial dysmorphism syndrome; Tatton-Brown-Rahman syndrome. Identifiers: Orphanet 404443, MedGen C4014545, MONDO:0014382, OMIM 615879.

Submission:

New York Genome Center
Classification: Pathogenic for Tatton-Brown-Rahman overgrowth syndrome. Last evaluated: 2021-05-14. Review status: criteria provided, single submitter. Criteria: NYGC Assertion Criteria 2020. Collection method: clinical testing. Allele origin: de novo. Affected: yes. Observed: 1 heterozygote. Study: CSER-NYCKidSeq.
Comment: The de novo c.1791del, p.Arg598GlufsTer53 frameshift heterozygous variant identified in DNMT3A has not been reported in the literature. This variant is notreported in the gnomAD database, indicating this is a rare allele and predicted to cause loss of normal protein function through protein truncation ornonsense-mediated mRNA decay. Based on the available evidence, the variant c.1791del, p.Arg598GlufsTer53 in the DNMT3A gene is classified as pathogenic.

NM_022552.5(DNMT3A):c.1791del (p.Arg598fs)

Gene: DNMT3A (DNA methyltransferase 3 alpha; minus strand). Cytogenetic location: 2p23.3.
Variant type: Deletion.
Coding change: c.1791del on transcript NM_022552.5 (MANE Select); coding-DNA position 1791, one base deleted (G; older notation c.1791delG).
Protein change: p.Arg598fs; shifts the reading frame from arginine 598.
Molecular consequence: frameshift variant. On other transcripts: non-coding transcript variant (1).
Genome position (GRCh38, 1-based): chr2:25,244,215, C deleted on the plus strand (G on the coding strand, the reverse complement: DNMT3A is on the minus strand); the first of 2 consecutive C bases (chr2:25,244,215-25,244,216); deleting either gives the same sequence. VCF-style (leftmost placement, unchanged base first): chr2-25244214-GC-G. GRCh37 (hg19) VCF-style: chr2-25467083-GC-G.
Other names: c.1335del, p.Arg446fs (NM_001320893.1); c.1122del, p.Arg375fs (NM_001375819.1); c.1224del, p.Arg409fs (NM_153759.3); c.1791del, p.Arg598fs (NM_175629.2); short protein forms R375fs, R409fs, R446fs, R598fs.
Identifiers: ClinVar variation 1342607 (VCV001342607.1), dbSNP rs2149289125, ClinGen allele CA2573050554.